The following is an entry in ClinVar:

NM_000051.4(ATM):c.131A>G (p.Asp44Gly)

Gene: ATM (ATM serine/threonine kinase; plus strand). Cytogenetic location: 11q22.3.
Variant type: single nucleotide variant.
Coding change: c.131A>G on transcript NM_000051.4 (MANE Select); coding-DNA position 131, A replaced by G.
Protein change: p.Asp44Gly; replaces aspartic acid 44 with glycine.
Molecular consequence: missense variant.
Genome position (GRCh38, 1-based): chr11:108,227,834, A>G. VCF-style: chr11-108227834-A-G. GRCh37 (hg19) VCF-style: chr11-108098561-A-G.
Other names: c.131A>G, p.Asp44Gly (NM_001351834.2, NM_001351835.2, NM_001351836.2); short protein forms D44G.
Identifiers: ClinVar variation 186471 (VCV000186471.49), dbSNP rs150143957, ClinGen allele CA194916.
Genomic context (GRCh38, chr11:108,227,834, plus strand): 5'-AGAAAGAAGTTGAGAAATTTAAGCGCCTGATTCGAGATCCTGAAACAATTAAACATCTAG[A>G]TCGGCATTCAGATTCCAAACAAGGAAAATATTTGAATTGGGATGCTGTTTTTAGGTATTC-3'
Protein context (NP_000042.3, residues 34-54): IRDPETIKHL[Asp44Gly]RHSDSKQGKY

ClinVar aggregate classification (germline): Conflicting classifications of pathogenicity. Review status: criteria provided, conflicting classifications (1 of 4 stars). 17 submissions from 17 submitters: Uncertain significance (13); Likely benign (2). 2 of the submissions do not count toward it. Last evaluated 2026-01-14.

Conditions:
Hereditary cancer-predisposing syndrome. Also called: Tumor predisposition; Neoplastic Syndromes, Hereditary; Hereditary neoplastic syndrome; Hereditary Cancer Syndrome. Identifiers: Orphanet 140162, MedGen C0027672, MeSH D009386, MONDO:0015356.
Familial cancer of breast. Also called: hereditary breast carcinoma; BREAST CANCER, FAMILIAL; Hereditary breast cancer. Identifiers: Orphanet 227535, MedGen C0346153, MONDO:0016419, OMIM 114480. Disease mechanism: loss of function.
Ataxia-telangiectasia syndrome (AT). Also called: ATAXIA-TELANGIECTASIA, COMPLEMENTATION GROUP A; ATAXIA-TELANGIECTASIA, FRESNO VARIANT; Ataxia-telangiectasia; Ataxia-telangiectasia, complementation group E; Cerebello-oculocutaneous telangiectasia; Immunodeficiency with ataxia telangiectasia. Identifiers: Orphanet 100, MedGen C0004135, MONDO:0008840, OMIM 208900.

Allele frequency attached by ClinVar (database versions not stated): gnomAD exomes 0.00002 and 0.00003; ExAC 0.00005; gnomAD 0.00013; TOPMed 0.00016; ESP Exome Variant Server 0.00023; 1000 Genomes Project 30x 0.00047; 1000 Genomes Project 0.00060.
gnomAD v4.1: 61 of 1,613,612 alleles (0.0038%); highest among the groups gnomAD compares: African/African-American, 0.073%; no homozygotes.

Submissions (17):

Women's Health and Genetics/Laboratory Corporation of America, LabCorp
Classification: Uncertain significance. Last evaluated: 2026-01-14. Review status: criteria provided, single submitter. Criteria: LabCorp Variant Classification Summary - May 2015. Collection method: clinical testing. Allele origin: germline.
Comment: Variant summary: ATM c.131A>G (p.Asp44Gly) results in a non-conservative amino acid change located in the Telomere-length maintenance and DNA damage repair domain (IPR021668) of the encoded protein sequence. Algorithms developed to predict the effect of missense changes on protein structure and function are either unavailable or do not agree on the potential impact of this missense change. The variant allele was found at a frequency of 3.9e-05 in 282598 control chromosomes. This frequency is not significantly higher than estimated for disease-causing variants in ATM, allowing no conclusion about variant significance. c.131A>G has been observed in individual(s) affected with Breast Cancer, without strong evidence for causality (Haiman_2013, Tung_2015, Adedokun_2020, McDonald_2022,Eygelaar_2022, deOliveira_2022 ). These report(s) do not provide unequivocal conclusions about association of the variant with Breast Cancer. To our knowledge, no experimental evidence demonstrating an impact on protein function has been reported. The following publications have been ascertained in the context of this evaluation (PMID: 31871109, 35039564, 23555315, 36315513, 25186627, 35534704). ClinVar contains an entry for this variant (Variation ID: 186471). Based on the evidence outlined above, the variant was classified as uncertain significance.

Center for Genomic Medicine, Rigshospitalet, Copenhagen University Hospital
Classification: Likely benign. Last evaluated: 2025-12-29. Review status: criteria provided, single submitter. Criteria: ACMG Guidelines, 2015. Collection method: clinical testing. Allele origin: germline.
Comment: Classification criteria: BS1

Revvity Omics, Revvity
Classification: Uncertain significance for Ataxia-telangiectasia syndrome. Last evaluated: 2025-06-20. Review status: criteria provided, single submitter. Criteria: ACMG Guidelines, 2015. Collection method: clinical testing. Allele origin: germline.

Ambry Genetics
Classification: Uncertain significance for Hereditary cancer-predisposing syndrome. Last evaluated: 2025-06-09. Review status: criteria provided, single submitter. Criteria: Ambry Variant Classification Scheme 2023. Collection method: clinical testing. Allele origin: germline.
Comment: The p.D44G variant (also known as c.131A>G), located in coding exon 2 of the ATM gene, results from an A to G substitution at nucleotide position 131. The aspartic acid at codon 44 is replaced by glycine, an amino acid with similar properties. In a study of 196 women with breast cancer and 185 unaffected controls from Cameroon and Uganda, this variant was observed in eight women (Adedokun B et al. Cancer Epidemiol Biomarkers Prev, 2020 02;29:359-367). This alteration has been identified in multiple individuals diagnosed with breast cancer (Haiman CA et al. PLoS Genet, 2013 Mar;9:e1003419; Tung N et al. Cancer, 2015 Jan;121:25-33; Uyisenga JP et al. Mol Genet Genomic Med, 2020 11;8:e1500; Eygelaar D et al. Sci Rep, 2022 Jan;12:802; McDonald JT et al. PLoS One, 2022 Oct;17:e0273835). This alteration has also been identified in multiple individuals diagnosed with prostate cancer (Matejcic M et al. JCO Precis Oncol, 2020 Jan;4:32-43; Gheybi K et al. J Natl Compr Canc Netw, 2023 Mar;21:289-296.e3). This amino acid position is highly conserved in available vertebrate species. In addition, this alteration is predicted to be tolerated by in silico analysis. Based on the available evidence, the clinical significance of this variant remains unclear.

Quest Diagnostics Nichols Institute San Juan Capistrano
Classification: Uncertain significance. Last evaluated: 2025-02-11. Review status: criteria provided, single submitter. Criteria: Quest Diagnostics criteria. Collection method: clinical testing. Allele origin: unknown.

Labcorp Genetics (formerly Invitae), Labcorp
Classification: Uncertain significance for Ataxia-telangiectasia syndrome. Last evaluated: 2025-01-27. Review status: criteria provided, single submitter. Criteria: Invitae Variant Classification Sherloc (09022015). Collection method: clinical testing. Allele origin: germline.
Comment: This sequence change replaces aspartic acid, which is acidic and polar, with glycine, which is neutral and non-polar, at codon 44 of the ATM protein (p.Asp44Gly). This variant is present in population databases (rs150143957, gnomAD 0.05%). This missense change has been observed in individual(s) with breast cancer (PMID: 25186627, 31871109, 35039564, 35534704, 35980532, 36315513). ClinVar contains an entry for this variant (Variation ID: 186471). Invitae Evidence Modeling of protein sequence and biophysical properties (such as structural, functional, and spatial information, amino acid conservation, physicochemical variation, residue mobility, and thermodynamic stability) indicates that this missense variant is not expected to disrupt ATM protein function with a negative predictive value of 95%. RNA analysis performed to evaluate the impact of this missense change on mRNA splicing indicates it does not significantly alter splicing (internal data). In summary, the available evidence is currently insufficient to determine the role of this variant in disease. Therefore, it has been classified as a Variant of Uncertain Significance.

Color Diagnostics, LLC DBA Color Health
Classification: Uncertain significance for Hereditary cancer-predisposing syndrome. Last evaluated: 2024-12-17. Review status: criteria provided, single submitter. Criteria: ACMG Guidelines, 2015. Collection method: clinical testing. Allele origin: germline.
Comment: This missense variant replaces aspartic acid with glycine at codon 44 of the ATM protein. Computational prediction suggests that this variant may not impact protein structure and function. To our knowledge, functional studies have not been reported for this variant. This variant has been reported in individuals affected with breast cancer (PMID: 31871109, 32959997, 33471991, 35039564, 36315513) and prostate cancer (PMID: 36898365). This variant has been identified in 11/282598 chromosomes in the general population by the Genome Aggregation Database (gnomAD). The available evidence is insufficient to determine the role of this variant in disease conclusively. Therefore, this variant is classified as a Variant of Uncertain Significance.

GeneDx
Classification: Uncertain significance. Last evaluated: 2024-09-11. Review status: criteria provided, single submitter. Criteria: GeneDx Variant Classification Process June 2021. Collection method: clinical testing. Allele origin: germline. Affected: yes.
Comment: In silico analysis supports that this missense variant has a deleterious effect on protein structure/function; Observed in individuals with a personal or family history of breast or prostate cancer (PMID: 23555315, 25186627, 32959997, 35039564, 36315513, 36898365, 35534704, 35980532); This variant is associated with the following publications: (PMID: 25186627, 32959997, 35039564, 31871109, 23555315, 36315513, 36898365, 35534704, 35980532, 32832836)

Myriad Genetics, Inc.
Classification: Likely benign for Familial cancer of breast. Last evaluated: 2024-04-17. Review status: criteria provided, single submitter. Criteria: Myriad Autosomal Dominant, Autosomal Recessive and X-Linked Classification Criteria (2023). Collection method: clinical testing. Allele origin: unknown.
Comment: This variant is considered likely benign. This variant is strongly associated with less severe personal and family histories of cancer, typical for individuals without pathogenic variants in this gene [PMID: 25085752].

Baylor Genetics
Classification: Uncertain significance for Familial cancer of breast. Last evaluated: 2024-03-09. Review status: criteria provided, single submitter. Criteria: ACMG Guidelines, 2015. Collection method: clinical testing. Allele origin: unknown.

Department of Pathology and Laboratory Medicine, Sinai Health System
Classification: Uncertain significance for Familial cancer of breast. Last evaluated: 2024-02-27. Review status: criteria provided, single submitter. Criteria: ACMG Guidelines, 2015. Collection method: clinical testing. Allele origin: germline. Affected: yes.

Sema4
Classification: Uncertain significance for Hereditary cancer-predisposing syndrome. Last evaluated: 2022-03-15. Review status: criteria provided, single submitter. Criteria: Sema4 Curation Guidelines. Collection method: curation. Allele origin: germline.
Comment: The ATM c.131A>G (p.D44G) variant has been reported in at least 3 African individuals with breast cancer (PMID: 25186627, 32959997, 35039564). It was observed in 11/24920 chromosomes of the African/African American subpopulation in the large and broad cohorts of the Genome Aggregation Database (PMID: 32461654) and has been reported in ClinVar (Variation ID: 186471). Functional studies have not been performed, and in silico predictions of the variant's effect on protein function are inconclusive. The evidence is insufficient to meet ACMG/AMP criteria for classifying the variant as benign or pathogenic. Thus, the clinical significance of this variant is currently uncertain.

Blueprint Genetics
Classification: Uncertain significance. Last evaluated: 2020-09-10. Review status: criteria provided, single submitter. Criteria: ACMG Guidelines, 2015. Collection method: clinical testing. Allele origin: germline.

Mendelics
Classification: Uncertain significance for Ataxia-telangiectasia syndrome. Last evaluated: 2019-05-28. Review status: criteria provided, single submitter. Criteria: Mendelics Assertion Criteria 2017. Collection method: clinical testing. Allele origin: unknown.

Genetic Services Laboratory, University of Chicago
Classification: Uncertain significance. Last evaluated: 2018-07-20. Review status: criteria provided, single submitter. Criteria: ACMG Guidelines, 2015. Collection method: clinical testing. Allele origin: germline. Affected: no.

Natera, Inc.
Classification: Uncertain significance for Ataxia-telangiectasia. Last evaluated: 2020-01-22. Review status: no assertion criteria provided. Collection method: clinical testing. Allele origin: germline. Not counted in ClinVar's aggregate classification.

Counsyl
Classification: Uncertain significance for Ataxia-telangiectasia syndrome. Last evaluated: 2018-02-08. Review status: no assertion criteria provided. Collection method: clinical testing. Allele origin: unknown. Not counted in ClinVar's aggregate classification.

Literature cited by the submitters: PubMed 23555315 (cited by Women's Health and Genetics/Laboratory Corporation of America, LabCorp and Ambry Genetics); PubMed 25186627 (cited by 4 submitters); PubMed 31871109 (cited by 5 submitters); PubMed 35039564 (cited by 6 submitters); PubMed 36315513 (cited by 5 submitters); PubMed 35534704 (cited by Women's Health and Genetics/Laboratory Corporation of America, LabCorp and Labcorp Genetics (formerly Invitae), Labcorp); PubMed 32832836 (cited by Ambry Genetics and Department of Pathology and Laboratory Medicine, Sinai Health System); PubMed 32959997 (cited by 4 submitters); PubMed 36898365 (cited by 3 submitters); PubMed 35980532 (cited by Labcorp Genetics (formerly Invitae), Labcorp); PubMed 33471991 (cited by Color Diagnostics, LLC DBA Color Health and Department of Pathology and Laboratory Medicine, Sinai Health System); PubMed 25085752 (cited by Myriad Genetics, Inc.).